The following is an entry in ClinVar:

NM_016239.4(MYO15A):c.5443C>T (p.Gln1815Ter)

Gene: MYO15A (myosin XVA; plus strand). Cytogenetic location: 17p11.2.
Variant type: single nucleotide variant.
Coding change: c.5443C>T on transcript NM_016239.4 (MANE Select); coding-DNA position 5443, C replaced by T.
Protein change: p.Gln1815Ter; replaces glutamine 1815 with a stop codon.
Molecular consequence: nonsense.
Genome position (GRCh38, 1-based): chr17:18,141,055, C>T. VCF-style: chr17-18141055-C-T. GRCh37 (hg19) VCF-style: chr17-18044369-C-T.
Other names: short protein forms Q1815*.
Identifiers: ClinVar variation 2791938 (VCV002791938.3), dbSNP rs2545255158, ClinGen allele CA398601154.
Genomic context (GRCh38, chr17:18,141,055, plus strand): 5'-CTCCCTCTCTGGGCATCCCTACAGGAGCCAGGTCTCTTTGAGCCAGATGTGGTAATGGCA[C>T]AATTACGCTATTCAGGGGTGCTGGAGACCGTGAGGATCCGCAAGGAGGGATTTCCAGTGC-3'

ClinVar aggregate classification (germline): Pathogenic (1 of 4 stars; one submission).

gnomAD v4.1: 1 of 1,614,074 alleles (0.000062%); highest among the groups gnomAD compares: Non-Finnish European, 0.000085%; no homozygotes.

Submission:

Labcorp Genetics (formerly Invitae), Labcorp
Classification: Pathogenic. Last evaluated: 2023-08-02. Review status: criteria provided, single submitter. Criteria: Invitae Variant Classification Sherloc (09022015). Collection method: clinical testing. Allele origin: germline.
Comment: For these reasons, this variant has been classified as Pathogenic. Algorithms developed to predict the effect of sequence changes on RNA splicing suggest that this variant may disrupt the consensus splice site. This variant has not been reported in the literature in individuals affected with MYO15A-related conditions. This variant is not present in population databases (gnomAD no frequency). This sequence change creates a premature translational stop signal (p.Gln1815*) in the MYO15A gene. It is expected to result in an absent or disrupted protein product. Loss-of-function variants in MYO15A are known to be pathogenic (PMID: 17546645).

Literature cited by the submitters: PubMed 17546645.